The following is an entry in ClinVar:

NM_001379081.2(FREM1):c.5779C>T (p.Arg1927Cys)

Gene: FREM1 (FRAS1 related extracellular matrix 1; minus strand). Cytogenetic location: 9p22.3.
Variant type: single nucleotide variant.
Coding change: c.5779C>T on transcript NM_001379081.2 (MANE Select); coding-DNA position 5779, C replaced by T.
Protein change: p.Arg1927Cys; replaces arginine 1927 with cysteine.
Molecular consequence: missense variant. On other transcripts: non-coding transcript variant (3).
Genome position (GRCh38, 1-based): chr9:14,748,418, G>A on the plus strand (C>T on the coding strand, the complement: FREM1 is on the minus strand). VCF-style: chr9-14748418-G-A. GRCh37 (hg19) VCF-style: chr9-14748416-G-A.
Other names: c.1387C>T, p.Arg463Cys (NM_001177704.3, NM_001370061.2); c.1237C>T, p.Arg413Cys (NM_001370058.2); c.5779C>T, p.Arg1927Cys (NM_144966.7); short protein forms R413C, R1927C, R463C.
Identifiers: ClinVar variation 1411148 (VCV001411148.9), dbSNP rs754692429, ClinGen allele CA4989659.
Genomic context (GRCh38, chr9:14,748,418, plus strand): 5'-TATGTATTTTGCACATCATTTCCCAGAAGGTCCCCATCCTTACTGTTTTGCCATTCCCAC[G>A]GGTCCTAAGCTTCCTTTGAGAAAGATCTGTAGAATCAAAGCCCCGCAGGGTGTCTCCCCT-3'
Protein context (NP_001366010.1, residues 1917-1937): TDLSQRKLRT[Arg1927Cys]GNGKTVRPSS

ClinVar aggregate classification (germline): Uncertain significance. Review status: criteria provided, multiple submitters, no conflicts (2 of 4 stars). 3 submissions from 3 submitters: Uncertain significance (3). Last evaluated 2026-04-16.

Conditions:
FREM1-related disorder. Also called: FREM1-related condition; FREM1-Related Disorders.
Trigonocephaly 2 (TRIGNO2). Identifiers: Orphanet 3366, MedGen C3280974, MONDO:0013774, OMIM 614485.
Oculotrichoanal syndrome (MOTA). Also called: MARLES SYNDROME; Manitoba Oculotrichoanal (MOTA) Syndrome. Identifiers: Orphanet 2717, MedGen C1855425, MONDO:0009560, OMIM 248450.
BNAR syndrome. Also called: Bifid Nose With or Without Anorectal and Renal Anomalies (BNAR) Syndrome. Identifiers: Orphanet 217266, MedGen C2750433, MONDO:0012165, OMIM 608980.

Allele frequency attached by ClinVar (database versions not stated): gnomAD 0.00003 and 0.00004; TOPMed 0.00003.
gnomAD v4.1: 119 of 1,608,888 alleles (0.0074%); highest among the groups gnomAD compares: Non-Finnish European, 0.0094%; no homozygotes.

Submissions (3):

PreventionGenetics, part of Exact Sciences
Classification: Uncertain significance for FREM1-related condition. Last evaluated: 2026-04-16. Review status: criteria provided, single submitter. Criteria: ACMG Guidelines, 2015. Collection method: clinical testing. Allele origin: germline.
Comment: The FREM1 c.5779C>T variant is predicted to result in the amino acid substitution p.Arg1927Cys. To our knowledge, this variant has not been reported in the literature. This variant is reported in 0.014% of alleles in individuals of Latino descent in gnomAD. At this time, the clinical significance of this variant is uncertain due to the absence of conclusive functional and genetic evidence.

Fulgent Genetics
Classification: Uncertain significance for Oculotrichoanal syndrome; BNAR syndrome; Trigonocephaly 2. Last evaluated: 2024-01-15. Review status: criteria provided, single submitter. Criteria: ACMG Guidelines, 2015. Collection method: clinical testing. Allele origin: germline.

Labcorp Genetics (formerly Invitae), Labcorp
Classification: Uncertain significance. Last evaluated: 2022-08-16. Review status: criteria provided, single submitter. Criteria: Invitae Variant Classification Sherloc (09022015). Collection method: clinical testing. Allele origin: germline.
Comment: Algorithms developed to predict the effect of missense changes on protein structure and function are either unavailable or do not agree on the potential impact of this missense change (SIFT: "Deleterious"; PolyPhen-2: "Possibly Damaging"; Align-GVGD: "Class C0"). In summary, the available evidence is currently insufficient to determine the role of this variant in disease. Therefore, it has been classified as a Variant of Uncertain Significance. This variant is present in population databases (rs754692429, gnomAD 0.01%). This sequence change replaces arginine, which is basic and polar, with cysteine, which is neutral and slightly polar, at codon 1927 of the FREM1 protein (p.Arg1927Cys). This variant has not been reported in the literature in individuals affected with FREM1-related conditions. ClinVar contains an entry for this variant (Variation ID: 1411148).